The following is an entry in ClinVar:

ClinVar aggregate classification (germline): Uncertain significance (1 of 4 stars; one submission).

gnomAD v4.1: 3 of 1,594,854 alleles (0.00019%); highest among the groups gnomAD compares: Non-Finnish European, 0.00017%; no homozygotes.

Submission:

Labcorp Genetics (formerly Invitae), Labcorp
Classification: Uncertain significance. Last evaluated: 2022-03-11. Review status: criteria provided, single submitter. Criteria: Invitae Variant Classification Sherloc (09022015). Collection method: clinical testing. Allele origin: germline.
Comment: This sequence change replaces serine, which is neutral and polar, with isoleucine, which is neutral and non-polar, at codon 510 of the KMT2B protein (p.Ser510Ile). In summary, the available evidence is currently insufficient to determine the role of this variant in disease. Therefore, it has been classified as a Variant of Uncertain Significance. Algorithms developed to predict the effect of missense changes on protein structure and function are either unavailable or do not agree on the potential impact of this missense change (SIFT: "Deleterious"; PolyPhen-2: "Not Available"; Align-GVGD: "Class C0"). This variant has not been reported in the literature in individuals affected with KMT2B-related conditions. This variant is not present in population databases (gnomAD no frequency).

NM_014727.3(KMT2B):c.1529G>T (p.Ser510Ile)

Gene: KMT2B (lysine methyltransferase 2B; plus strand). Cytogenetic location: 19q13.12.
Variant type: single nucleotide variant.
Coding change: c.1529G>T on transcript NM_014727.3 (MANE Select); coding-DNA position 1529, G replaced by T.
Protein change: p.Ser510Ile; replaces serine 510 with isoleucine.
Molecular consequence: missense variant.
Genome position (GRCh38, 1-based): chr19:35,720,876, G>T. VCF-style: chr19-35720876-G-T. GRCh37 (hg19) VCF-style: chr19-36211778-G-T.
Other names: short protein forms S510I.
Identifiers: ClinVar variation 2110489 (VCV002110489.4), dbSNP rs1206043749, ClinGen allele CA405391816.